The following is an entry in ClinVar:

NM_015512.5(DNAH1):c.1034-1G>A

Gene: DNAH1 (dynein axonemal heavy chain 1; plus strand). Cytogenetic location: 3p21.1.
Variant type: single nucleotide variant.
Coding change: c.1034-1G>A on transcript NM_015512.5 (MANE Select); the canonical splice acceptor site of the intron before coding-DNA position 1034, G replaced by A.
Molecular consequence: splice acceptor variant.
Genome position (GRCh38, 1-based): chr3:52,332,141, G>A. VCF-style: chr3-52332141-G-A. GRCh37 (hg19) VCF-style: chr3-52366157-G-A.
Identifiers: ClinVar variation 4793842 (VCV004793842.1).

ClinVar aggregate classification (germline): Likely pathogenic (1 of 4 stars; one submission).

Conditions:
Spermatogenic failure 18. Identifiers: MedGen C4539783, MONDO:0054615, OMIM 617576.
Ciliary dyskinesia, primary, 37 (CILD37). Also called: CILIARY DYSKINESIA, PRIMARY, 37, WITH OR WITHOUT SITUS INVERSUS. Identifiers: MedGen C4539798, MONDO:0033204, OMIM 617577.

Submission:

Labcorp Genetics (formerly Invitae), Labcorp
Classification: Likely pathogenic for Ciliary dyskinesia, primary, 37; Spermatogenic failure 18. Last evaluated: 2025-06-11. Review status: criteria provided, single submitter. Criteria: Invitae Variant Classification Sherloc (09022015). Collection method: clinical testing. Allele origin: germline.
Comment: This sequence change affects an acceptor splice site in intron 7 of the DNAH1 gene. It is expected to disrupt RNA splicing. Variants that disrupt the donor or acceptor splice site typically lead to a loss of protein function (PMID: 16199547), and loss-of-function variants in DNAH1 are known to be pathogenic (PMID: 27573432, 27798045). This variant is not present in population databases (gnomAD no frequency). This variant has not been reported in the literature in individuals affected with DNAH1-related conditions. Algorithms developed to predict the effect of sequence changes on RNA splicing suggest that this variant may disrupt the consensus splice site. In summary, the currently available evidence indicates that the variant is pathogenic, but additional data are needed to prove that conclusively. Therefore, this variant has been classified as Likely Pathogenic.

Literature cited by the submitters: PubMed 16199547; PubMed 27573432; PubMed 27798045.